The following is an entry in ClinVar:

ClinVar aggregate classification (germline): Uncertain significance. Review status: criteria provided, multiple submitters, no conflicts (2 of 4 stars). 2 submissions from 2 submitters: Uncertain significance (2). Last evaluated 2025-06-25.

Allele frequency attached by ClinVar (database versions not stated): ExAC 0.00001; gnomAD exomes 0.00001.

Submissions (2):

GeneDx
Classification: Uncertain significance. Last evaluated: 2025-06-25. Review status: criteria provided, single submitter. Criteria: GeneDx Variant Classification Process June 2021. Collection method: clinical testing. Allele origin: germline. Affected: yes.
Comment: Not observed at significant frequency in large population cohorts (gnomAD); In silico analysis supports that this missense variant has a deleterious effect on protein structure/function; Has not been previously published as pathogenic or benign to our knowledge

Labcorp Genetics (formerly Invitae), Labcorp
Classification: Uncertain significance. Last evaluated: 2024-03-16. Review status: criteria provided, single submitter. Criteria: Invitae Variant Classification Sherloc (09022015). Collection method: clinical testing. Allele origin: germline.
Comment: This sequence change replaces alanine, which is neutral and non-polar, with valine, which is neutral and non-polar, at codon 433 of the GFM2 protein (p.Ala433Val). This variant is present in population databases (rs768396838, gnomAD 0.002%). This variant has not been reported in the literature in individuals affected with GFM2-related conditions. ClinVar contains an entry for this variant (Variation ID: 1372810). Advanced modeling of protein sequence and biophysical properties (such as structural, functional, and spatial information, amino acid conservation, physicochemical variation, residue mobility, and thermodynamic stability) performed at Invitae indicates that this missense variant is not expected to disrupt GFM2 protein function with a negative predictive value of 80%. In summary, the available evidence is currently insufficient to determine the role of this variant in disease. Therefore, it has been classified as a Variant of Uncertain Significance.

NM_032380.5(GFM2):c.1298C>T (p.Ala433Val)

Gene: GFM2 (GTP dependent ribosome recycling factor mitochondrial 2; minus strand). Cytogenetic location: 5q13.3.
Variant type: single nucleotide variant.
Coding change: c.1298C>T on transcript NM_032380.5 (MANE Select); coding-DNA position 1298, C replaced by T.
Protein change: p.Ala433Val; replaces alanine 433 with valine.
Molecular consequence: missense variant. On other transcripts: non-coding transcript variant (1).
Genome position (GRCh38, 1-based): chr5:74,738,340, G>A on the plus strand (C>T on the coding strand, the complement: GFM2 is on the minus strand). VCF-style: chr5-74738340-G-A. GRCh37 (hg19) VCF-style: chr5-74034165-G-A.
Other names: c.1298C>T (NM_032380.3); c.1394C>T, p.Ala465Val (NM_001281302.2); c.1298C>T, p.Ala433Val (NM_170681.3); c.1157C>T, p.Ala386Val (NM_170691.3); short protein forms A433V, A465V, A386V.
Identifiers: ClinVar variation 1372810 (VCV001372810.9), dbSNP rs768396838, ClinGen allele CA3306567.